The following is an entry in ClinVar:

ClinVar aggregate classification (germline): Uncertain significance (1 of 4 stars; one submission).

Conditions:
Hyper-IgM syndrome type 1. Also called: CD40 Ligand Deficiency; X-linked hyper-IgM syndrome; Immunodeficiency, X-linked, with hyper-IgM; Hyper-IgM Immunodeficiency Syndrome, Type 1. Identifiers: Orphanet 101088, MedGen C0398689, MONDO:0010626, OMIM 308230.

Submission:

Labcorp Genetics (formerly Invitae), Labcorp
Classification: Uncertain significance for Hyper-IgM syndrome type 1. Last evaluated: 2023-10-14. Review status: criteria provided, single submitter. Criteria: Invitae Variant Classification Sherloc (09022015). Collection method: clinical testing. Allele origin: germline.
Comment: This sequence change replaces threonine, which is neutral and polar, with lysine, which is basic and polar, at codon 105 of the CD40LG protein (p.Thr105Lys). This variant is not present in population databases (gnomAD no frequency). This variant has not been reported in the literature in individuals affected with CD40LG-related conditions. Advanced modeling of protein sequence and biophysical properties (such as structural, functional, and spatial information, amino acid conservation, physicochemical variation, residue mobility, and thermodynamic stability) performed at Invitae indicates that this missense variant is not expected to disrupt CD40LG protein function. In summary, the available evidence is currently insufficient to determine the role of this variant in disease. Therefore, it has been classified as a Variant of Uncertain Significance.

NM_000074.3(CD40LG):c.314C>A (p.Thr105Lys)

Gene: CD40LG (CD40 ligand; plus strand). Cytogenetic location: Xq26.3.
Variant type: single nucleotide variant.
Coding change: c.314C>A on transcript NM_000074.3 (MANE Select); coding-DNA position 314, C replaced by A.
Protein change: p.Thr105Lys; replaces threonine 105 with lysine.
Molecular consequence: missense variant.
Genome position (GRCh38, 1-based): chrX:136,654,398, C>A. VCF-style: chrX-136654398-C-A. GRCh37 (hg19) VCF-style: chrX-135736557-C-A.
Other names: short protein forms T105K.
Identifiers: ClinVar variation 2768419 (VCV002768419.3), dbSNP rs376582437, ClinGen allele CA414754678.